The following is an entry in ClinVar:

ClinVar aggregate classification (germline): Uncertain significance. Review status: criteria provided, multiple submitters, no conflicts (2 of 4 stars). 3 submissions from 3 submitters: Uncertain significance (3). Last evaluated 2026-02-01.

Conditions:
Inborn genetic diseases. Identifiers: MedGen C0950123, MeSH D030342.

Allele frequency attached by ClinVar (database versions not stated): 1000 Genomes Project 30x 0.00016; 1000 Genomes Project 0.00020; ExAC 0.00037; ESP Exome Variant Server 0.00042; TOPMed 0.00049; gnomAD 0.00053 and 0.00054.

Submissions (3):

Labcorp Genetics (formerly Invitae), Labcorp
Classification: Uncertain significance. Last evaluated: 2026-02-01. Review status: criteria provided, single submitter. Criteria: Invitae Variant Classification Sherloc (09022015). Collection method: clinical testing. Allele origin: germline.
Comment: This sequence change replaces arginine, which is basic and polar, with cysteine, which is neutral and slightly polar, at codon 599 of the DNA2 protein (p.Arg599Cys). This variant is present in population databases (rs201377109, gnomAD 0.08%). This variant has not been reported in the literature in individuals affected with DNA2-related conditions. ClinVar contains an entry for this variant (Variation ID: 1465801). Invitae Evidence Modeling of protein sequence and biophysical properties (such as structural, functional, and spatial information, amino acid conservation, physicochemical variation, residue mobility, and thermodynamic stability) indicates that this missense variant is not expected to disrupt DNA2 protein function with a negative predictive value of 80%. Algorithms developed to predict the effect of sequence changes on RNA splicing suggest that this variant may disrupt the consensus splice site. In summary, the available evidence is currently insufficient to determine the role of this variant in disease. Therefore, it has been classified as a Variant of Uncertain Significance.

Ambry Genetics
Classification: Uncertain significance for Inborn genetic diseases. Last evaluated: 2022-08-11. Review status: criteria provided, single submitter. Criteria: Ambry Variant Classification Scheme 2023. Collection method: clinical testing. Allele origin: germline.
Comment: The c.1795C>T (p.R599C) alteration is located in exon 12 (coding exon 12) of the DNA2 gene. This alteration results from a C to T substitution at nucleotide position 1795, causing the arginine (R) at amino acid position 599 to be replaced by a cysteine (C). The p.R599C alteration is predicted to be tolerated by in silico analysis. Based on insufficient or conflicting evidence, the clinical significance of this alteration remains unclear.

GeneDx
Classification: Uncertain significance. Last evaluated: 2022-04-21. Review status: criteria provided, single submitter. Criteria: GeneDx Variant Classification Process June 2021. Collection method: clinical testing. Allele origin: germline. Affected: yes.
Comment: Reported as heterozygous in two siblings with a cerebral palsy phenotype who harbored another variant in DNA2 on the opposite (in trans) allele (Pechatnikova et al., 2017); In silico analysis supports that this missense variant has a deleterious effect on protein structure/function; This variant is associated with the following publications: (PMID: 27535533)

NM_001080449.3(DNA2):c.1795C>T (p.Arg599Cys)

Gene: DNA2 (DNA replication helicase/nuclease 2; minus strand). Cytogenetic location: 10q21.3.
Variant type: single nucleotide variant.
Coding change: c.1795C>T on transcript NM_001080449.3 (MANE Select); coding-DNA position 1795, C replaced by T.
Protein change: p.Arg599Cys; replaces arginine 599 with cysteine.
Molecular consequence: missense variant. On other transcripts: non-coding transcript variant (1).
Genome position (GRCh38, 1-based): chr10:68,432,284, G>A on the plus strand (C>T on the coding strand, the complement: DNA2 is on the minus strand). VCF-style: chr10-68432284-G-A. GRCh37 (hg19) VCF-style: chr10-70192041-G-A.
Other names: short protein forms R599C.
Identifiers: ClinVar variation 1465801 (VCV001465801.11), dbSNP rs201377109, ClinGen allele CA5524973.